The following is an entry in ClinVar:

ClinVar aggregate classification (germline): Pathogenic (1 of 4 stars; one submission).

Conditions:
Mitochondrial hypertrophic cardiomyopathy with lactic acidosis due to MTO1 deficiency. Also called: CARDIOMYOPATHY, INFANTILE HYPERTROPHIC MITOCHONDRIAL, AND LACTIC ACIDOSIS; Combined oxidative phosphorylation deficiency 10. Identifiers: Orphanet 314637, MedGen C4749921, MONDO:0013865, OMIM 614702.

Submission:

Labcorp Genetics (formerly Invitae), Labcorp
Classification: Pathogenic for Mitochondrial hypertrophic cardiomyopathy with lactic acidosis due to MTO1 deficiency. Last evaluated: 2023-11-11. Review status: criteria provided, single submitter. Criteria: Invitae Variant Classification Sherloc (09022015). Collection method: clinical testing. Allele origin: unknown.
Comment: This variant is a gross deletion of the genomic region encompassing exon(s) 5-11 of the MTO1 gene. This variant would be expected to be in-frame, preserving the integrity of the reading frame. This variant has not been reported in the literature in individuals affected with MTO1-related conditions. This variant disrupts a region of the MTO1 protein in which other variant(s) (p.Ala428Thr) have been determined to be pathogenic (PMID: 22608499, 23929671, 25058219). This suggests that this is a clinically significant region of the protein, and that variants that disrupt it are likely to be disease-causing. For these reasons, this variant has been classified as Pathogenic.

Literature cited by the submitters: PubMed 22608499; PubMed 23929671; PubMed 25058219.

NC_000006.11:g.(?_74189435)_(74207639_?)del

Gene: MTO1 (mitochondrial tRNA translation optimization 1; plus strand). Cytogenetic location: 6q13.
Variant type: Deletion.
Identifiers: ClinVar variation 3246031 (VCV003246031.1).